The following is an entry in ClinVar:

ClinVar aggregate classification (germline): Uncertain significance. Review status: criteria provided, multiple submitters, no conflicts (2 of 4 stars). 3 submissions from 3 submitters: Uncertain significance (3). Last evaluated 2026-01-06.

Conditions:
Dystonic disorder. Also called: Dystonia. Identifiers: MedGen C0013421, MONDO:0003441, HP:0001332.

Submissions (3):

Labcorp Genetics (formerly Invitae), Labcorp
Classification: Uncertain significance for Dystonic disorder. Last evaluated: 2026-01-06. Review status: criteria provided, single submitter. Criteria: Invitae Variant Classification Sherloc (09022015). Collection method: clinical testing. Allele origin: germline.
Comment: This variant, c.26_49del, results in the deletion of 8 amino acid(s) of the CIZ1 protein (p.Gln9_Gln16del), but otherwise preserves the integrity of the reading frame. The frequency data for this variant in the population databases is considered unreliable, as metrics indicate poor data quality at this position in the gnomAD database. This variant has not been reported in the literature in individuals affected with CIZ1-related conditions. ClinVar contains an entry for this variant (Variation ID: 455982). In summary, the available evidence is currently insufficient to determine the role of this variant in disease. Therefore, it has been classified as a Variant of Uncertain Significance.

Revvity Omics, Revvity
Classification: Uncertain significance. Last evaluated: 2022-02-08. Review status: criteria provided, single submitter. Criteria: ACMG Guidelines, 2015. Collection method: clinical testing. Allele origin: germline.

Breakthrough Genomics
Classification: Uncertain significance. Review status: criteria provided, single submitter. Criteria: ACMG Guidelines, 2015. Collection method: not provided. Allele origin: germline. Inheritance: Unknown mechanism. Affected: yes.

NM_001131016.2(CIZ1):c.26_49del (p.Gln9_Gln16del)

Gene: CIZ1 (CDKN1A interacting zinc finger protein 1; minus strand). Cytogenetic location: 9q34.11.
Variant type: Deletion.
Coding change: c.26_49del on transcript NM_001131016.2 (MANE Select); coding-DNA positions 26 to 49, 24 bases deleted (AGCTCCAGCAACAGCAGCAGCAGC).
Protein change: p.Gln9_Gln16del.
Molecular consequence: inframe deletion. On other transcripts: 5 prime UTR variant (1).
Genome position (GRCh38, 1-based): chr9:128,190,809-128,190,832, GCTGCTGCTGCTGTTGCTGGAGCT deleted on the plus strand (AGCTCCAGCAACAGCAGCAGCAGC on the coding strand, the reverse complement: CIZ1 is on the minus strand); deleting any 24 consecutive bases within chr9:128,190,809-128,190,845 gives the same sequence; the c. name uses the placement nearest the transcript's 3' end. VCF-style (leftmost placement, unchanged base first): chr9-128190808-AGCTGCTGCTGCTGTTGCTGGAGCT-A. GRCh37 (hg19) VCF-style: chr9-130953087-AGCTGCTGCTGCTGTTGCTGGAGCT-A.
Other names: c.26_49del, p.Gln9_Gln16del (NM_001131015.2, NM_001131017.2, NM_001131018.2 and 1 more transcripts); c.116_139del, p.Gln39_Gln46del (NM_001257975.2); c.-162_-139del (NM_001257976.2).
Identifiers: ClinVar variation 455982 (VCV000455982.11), dbSNP rs767703623, ClinGen allele CA5257691.